The following is an entry in ClinVar:

NM_005529.7(HSPG2):c.5483G>T (p.Arg1828Leu)

Gene: HSPG2 (heparan sulfate proteoglycan 2; minus strand). Cytogenetic location: 1p36.12.
Variant type: single nucleotide variant.
Coding change: c.5483G>T on transcript NM_005529.7 (MANE Select); coding-DNA position 5483, G replaced by T.
Protein change: p.Arg1828Leu; replaces arginine 1828 with leucine.
Molecular consequence: missense variant.
Genome position (GRCh38, 1-based): chr1:21,857,107, C>A on the plus strand (G>T on the coding strand, the complement: HSPG2 is on the minus strand). VCF-style: chr1-21857107-C-A. GRCh37 (hg19) VCF-style: chr1-22183600-C-A.
Other names: c.5486G>T, p.Arg1829Leu (NM_001291860.2); short protein forms R1828L, R1829L.
Identifiers: ClinVar variation 295831 (VCV000295831.18), dbSNP rs745892835, ClinGen allele CA671916.

ClinVar aggregate classification (germline): Uncertain significance. Review status: criteria provided, multiple submitters, no conflicts (2 of 4 stars). 4 submissions from 3 submitters: Uncertain significance (4). Last evaluated 2025-04-14.

Conditions:
Lethal Kniest-like syndrome (DDSH). Also called: Dyssegmental Dysplasia. Identifiers: Orphanet 1865, MedGen C1857100, MONDO:0009140, OMIM 224410.
Schwartz-Jampel syndrome. Also called: Myotonic myopathy dwarfism chondrodystrophy and ocular and facial abnormalities. Identifiers: Orphanet 800, MedGen C0036391, MONDO:0009717.

Allele frequency attached by ClinVar (database versions not stated): TOPMed 0.00001.
gnomAD v4.1: 57 of 1,614,002 alleles (0.0035%); highest among the groups gnomAD compares: South Asian, 0.049%; no homozygotes.

Submissions (4):

Labcorp Genetics (formerly Invitae), Labcorp
Classification: Uncertain significance. Last evaluated: 2025-04-14. Review status: criteria provided, single submitter. Criteria: Invitae Variant Classification Sherloc (09022015). Collection method: clinical testing. Allele origin: germline.
Comment: This sequence change replaces arginine, which is basic and polar, with leucine, which is neutral and non-polar, at codon 1828 of the HSPG2 protein (p.Arg1828Leu). This variant is present in population databases (rs745892835, gnomAD 0.05%). This variant has not been reported in the literature in individuals affected with HSPG2-related conditions. ClinVar contains an entry for this variant (Variation ID: 295831). An algorithm developed to predict the effect of missense changes on protein structure and function (PolyPhen-2) suggests that this variant is likely to be disruptive. In summary, the available evidence is currently insufficient to determine the role of this variant in disease. Therefore, it has been classified as a Variant of Uncertain Significance.

ARUP Laboratories, Molecular Genetics and Genomics, ARUP Laboratories
Classification: Uncertain significance. Last evaluated: 2020-01-14. Review status: criteria provided, single submitter. Criteria: ARUP Molecular Germline Variant Investigation Process. Collection method: clinical testing. Allele origin: germline.
Comment: The HSPG2 c.5483G>T; p.Arg1828Leu variant (rs745892835), to our knowledge, is not reported in the medical literature but is reported in ClinVar (Variation ID: 295831). This variant is found in the South Asian population with an overall allele frequency of 0.05% (15/30616 alleles) in the Genome Aggregation Database. The arginine at codon 1828 is weakly conserved, and computational analyses (SIFT: tolerated, PolyPhen-2: damaging) predict conflicting effects of this variant on protein structure/function. However, due to limited information, the clinical significance of the p.Arg1828Leu variant is uncertain at this time.

Illumina Laboratory Services, Illumina
Classification: Uncertain significance for Schwartz-Jampel syndrome type 1. Last evaluated: 2018-01-13. Review status: criteria provided, single submitter. Criteria: ICSL Variant Classification Criteria 13 December 2019. Collection method: clinical testing. Allele origin: germline.

Illumina Laboratory Services, Illumina
Classification: Uncertain significance for Lethal Kniest-like syndrome. Last evaluated: 2018-01-13. Review status: criteria provided, single submitter. Criteria: ICSL Variant Classification Criteria 13 December 2019. Collection method: clinical testing. Allele origin: germline.